The following is an entry in ClinVar:

ClinVar aggregate classification (germline): Uncertain significance. Review status: criteria provided, multiple submitters, no conflicts (2 of 4 stars). 2 submissions from 2 submitters: Uncertain significance (2). Last evaluated 2025-08-01.

Conditions:
Inborn genetic diseases. Identifiers: MedGen C0950123, MeSH D030342.

gnomAD v4.1: 1 of 1,613,378 alleles (0.000062%); no homozygotes.

Submissions (2):

Ambry Genetics
Classification: Uncertain significance for Inborn genetic diseases. Last evaluated: 2025-08-01. Review status: criteria provided, single submitter. Criteria: Ambry Variant Classification Scheme 2023. Collection method: clinical testing. Allele origin: germline.

ARUP Laboratories, Molecular Genetics and Genomics, ARUP Laboratories
Classification: Uncertain significance. Last evaluated: 2024-10-29. Review status: criteria provided, single submitter. Criteria: ARUP Molecular Germline Variant Investigation Process 2024. Collection method: clinical testing. Allele origin: germline.
Comment: The MVK c.1046A>T; p.Glu349Val variant, to our knowledge, is not reported in the medical literature or gene specific databases. This variant is absent from the Genome Aggregation Database (v2.1.1), indicating it is not a common polymorphism. Computational analyses are uncertain whether this variant is neutral or deleterious (REVEL: 0.593). Due to limited information, the clinical significance of this variant is uncertain at this time.

NM_000431.4(MVK):c.1046A>T (p.Glu349Val)

Gene: MVK (mevalonate kinase; plus strand). Cytogenetic location: 12q24.11.
Variant type: single nucleotide variant.
Coding change: c.1046A>T on transcript NM_000431.4 (MANE Select); coding-DNA position 1046, A replaced by T.
Protein change: p.Glu349Val; replaces glutamic acid 349 with valine.
Molecular consequence: missense variant. On other transcripts: non-coding transcript variant (4).
Genome position (GRCh38, 1-based): chr12:109,596,432, A>T. VCF-style: chr12-109596432-A-T. GRCh37 (hg19) VCF-style: chr12-110034237-A-T.
Other names: c.1046A>T, p.Glu349Val (NM_001114185.3, NM_001414511.1); c.890A>T, p.Glu297Val (NM_001301182.2); c.1121A>T, p.Glu374Val (NM_001414512.1); c.1057A>T, p.Ser353Cys (NM_001414513.1); c.901A>T, p.Ser301Cys (NM_001414514.1); c.464A>T, p.Glu155Val (NM_001414515.1); short protein forms E155V, E297V, E349V, E374V, S301C, S353C.
Identifiers: ClinVar variation 3766937 (VCV003766937.2).